The following is an entry in ClinVar:

ClinVar aggregate classification (germline): Uncertain significance (1 of 4 stars; one submission).

Conditions:
DST-related disorder. Also called: DST-related disorders; DST-related condition.

gnomAD v4.1: 11 of 1,551,552 alleles (0.00071%); highest among the groups gnomAD compares: Admixed American, 0.002%; no homozygotes.

Submission:

PreventionGenetics, part of Exact Sciences
Classification: Uncertain significance for DST-related condition. Last evaluated: 2026-03-21. Review status: criteria provided, single submitter. Criteria: ACMG Guidelines, 2015. Collection method: clinical testing. Allele origin: germline.
Comment: The DST c.3+5G>C variant is predicted to interfere with splicing. Of note, this variant can also be referred to as 418-179G>C with the neuronal isoform, NM_001144769. To our knowledge, this variant has not been reported in the literature. This variant is reported in 0.0033% of alleles in individuals of European (Non-Finnish) descent in gnomAD. At this time, the clinical significance of this variant is uncertain due to the absence of conclusive functional and genetic evidence.

NM_001374736.1(DST):c.418-179G>C

Genes: DST (dystonin; minus strand), DST-AS1 (DST antisense RNA 1; plus strand). Cytogenetic location: 6p12.1.
Variant type: single nucleotide variant.
Coding change: c.418-179G>C on transcript NM_001374736.1 (MANE Select); 179 bases into the intron before coding-DNA position 418, G replaced by C.
Molecular consequence: intron variant.
Genome position (GRCh38, 1-based): chr6:56,851,783, C>G on the plus strand (G>C on the coding strand, the complement: DST is on the minus strand). VCF-style: chr6-56851783-C-G. GRCh37 (hg19) VCF-style: chr6-56716581-C-G.
Other names: c.418-179G>C (NM_001144769.5, NM_001374722.1); c.445-179G>C (NM_001374734.1); c.3+5G>C (NM_001144770.2).
Identifiers: ClinVar variation 4987873 (VCV004987873.1).